The following is an entry in ClinVar:

NM_004385.5(VCAN):c.2976AGA[1] (p.Glu993del)

Gene: VCAN (versican; plus strand). Cytogenetic location: 5q14.3.
Variant type: Microsatellite.
Coding change: c.2976AGA[1] on transcript NM_004385.5 (MANE Select); one copy of the 3-base unit AGA starting at c.2976; the reference has two copies in a row; one copy, 3 bases deleted.
Protein change: p.Glu993del; deletes glutamic acid 993.
Molecular consequence: intron variant (on NM_001164097.2).
Genome position (GRCh38, 1-based): chr5:83,521,285-83,521,287, AGA deleted; deleting any 3 consecutive bases within chr5:83,521,282-83,521,287 gives the same sequence; the position shown is the placement nearest the transcript's 3' end. VCF-style (leftmost placement, unchanged base first): chr5-83521281-CAGA-C. GRCh37 (hg19) VCF-style: chr5-82817100-CAGA-C.
Other names: c.2976AGA[1], p.Glu993del (NM_001164098.2); c.1042+8889_1042+8891del (NM_001164097.2, NM_001126336.3); short protein forms E993del.
Identifiers: ClinVar variation 4765134 (VCV004765134.1).

ClinVar aggregate classification (germline): Uncertain significance (1 of 4 stars; one submission).

Submission:

Labcorp Genetics (formerly Invitae), Labcorp
Classification: Uncertain significance. Last evaluated: 2025-08-23. Review status: criteria provided, single submitter. Criteria: Invitae Variant Classification Sherloc (09022015). Collection method: clinical testing. Allele origin: germline.
Comment: This variant, c.2979_2981del, results in the deletion of 1 amino acid(s) of the VCAN protein (p.Glu993del), but otherwise preserves the integrity of the reading frame. This variant is present in population databases (no rsID available, gnomAD 0.003%). This variant has not been reported in the literature in individuals affected with VCAN-related conditions. Experimental studies and prediction algorithms are not available or were not evaluated, and the functional significance of this variant is currently unknown. In summary, the available evidence is currently insufficient to determine the role of this variant in disease. Therefore, it has been classified as a Variant of Uncertain Significance.